The following is an entry in ClinVar:

ClinVar aggregate classification (germline): Uncertain significance (1 of 4 stars; one submission).

Conditions:
Left ventricular noncompaction 8 (LVNC8). Identifiers: Orphanet 154, Orphanet 54260, MedGen C3809288, MONDO:0014152, OMIM 615373.

Submission:

Labcorp Genetics (formerly Invitae), Labcorp
Classification: Uncertain significance for Left ventricular noncompaction 8. Last evaluated: 2018-03-23. Review status: criteria provided, single submitter. Criteria: Invitae Variant Classification Sherloc (09022015). Collection method: clinical testing. Allele origin: germline.
Comment: This variant is a gross deletion of the genomic region encompassing exons 4 to 17 of the PRDM16 gene. The 5' boundary is likely confined to intron 3. The 3' end of this event is unknown as it extends through the termination codon beyond the assayed region for this gene and may encompass additional genes. While this deletion is not anticipated to result in nonsense mediated decay, it is expected to create a truncated protein product or disrupt mRNA translation. Much larger deletions incorporating exons 4-17 have been reported in individuals with¬†1p36 Deletion Syndrome (PMID: 23768516). However, not all of the probands reported in that study may have contained the reported deletion (PMID: 24387995). In summary, the available evidence is currently insufficient to determine the role of this variant in disease. Therefore, it has been classified as a Variant of Uncertain Significance.

Literature cited by the submitters: PubMed 23768516; PubMed 24387995.

NC_000001.11:g.(?_3385132)_(3433831_?)del

Gene: PRDM16 (PR/SET domain 16; plus strand). Cytogenetic location: 1p36.32.
Variant type: Deletion.
Identifiers: ClinVar variation 583902 (VCV000583902.5).